The following is an entry in ClinVar:

NM_005012.4(ROR1):c.269G>A (p.Arg90His)

Gene: ROR1 (receptor tyrosine kinase like orphan receptor 1; plus strand). Cytogenetic location: 1p31.3.
Variant type: single nucleotide variant.
Coding change: c.269G>A on transcript NM_005012.4 (MANE Select); coding-DNA position 269, G replaced by A.
Protein change: p.Arg90His; replaces arginine 90 with histidine.
Molecular consequence: missense variant.
Genome position (GRCh38, 1-based): chr1:64,049,796, G>A. VCF-style: chr1-64049796-G-A. GRCh37 (hg19) VCF-style: chr1-64515468-G-A.
Other names: c.269G>A (NM_005012.2); c.269G>A, p.Arg90His (NM_001083592.2); short protein forms R90H.
Identifiers: ClinVar variation 2901002 (VCV002901002.4), dbSNP rs139072514, ClinGen allele CA890025.
Genomic context (GRCh38, chr1:64,049,796, plus strand): 5'-CTCTGGGCCAGACAGCAGAACTGCACTGCAAAGTCTCTGGGAATCCACCTCCCACCATCC[G>A]CTGGTTCAAAAATGATGCTCCTGTGGTCCAGGAGCCCCGGAGGCTCTCCTTTCGGTCCAC-3'
Protein context (NP_005003.2, residues 80-100): KVSGNPPPTI[Arg90His]WFKNDAPVVQ

ClinVar aggregate classification (germline): Uncertain significance. Review status: criteria provided, multiple submitters, no conflicts (2 of 4 stars). 2 submissions from 2 submitters: Uncertain significance (2). Last evaluated 2024-10-07.

Allele frequency attached by ClinVar (database versions not stated): TOPMed 0.00004; gnomAD 0.00005; ESP Exome Variant Server 0.00008.
gnomAD v4.1: 82 of 1,614,050 alleles (0.0051%); highest among the groups gnomAD compares: African/African-American, 0.0093%; no homozygotes.

Submissions (2):

Ambry Genetics
Classification: Uncertain significance. Last evaluated: 2024-10-07. Review status: criteria provided, single submitter. Criteria: Ambry Variant Classification Scheme 2023. Collection method: clinical testing. Allele origin: germline.

Labcorp Genetics (formerly Invitae), Labcorp
Classification: Uncertain significance. Last evaluated: 2023-01-15. Review status: criteria provided, single submitter. Criteria: Invitae Variant Classification Sherloc (09022015). Collection method: clinical testing. Allele origin: germline.
Comment: This sequence change replaces arginine, which is basic and polar, with histidine, which is basic and polar, at codon 90 of the ROR1 protein (p.Arg90His). This variant is present in population databases (rs139072514, gnomAD 0.02%). This variant has not been reported in the literature in individuals affected with ROR1-related conditions. Advanced modeling of protein sequence and biophysical properties (such as structural, functional, and spatial information, amino acid conservation, physicochemical variation, residue mobility, and thermodynamic stability) has been performed at Invitae for this missense variant, however the output from this modeling did not meet the statistical confidence thresholds required to predict the impact of this variant on ROR1 protein function. In summary, the available evidence is currently insufficient to determine the role of this variant in disease. Therefore, it has been classified as a Variant of Uncertain Significance.